The following is an entry in ClinVar:

ClinVar aggregate classification (germline): Pathogenic (1 of 4 stars; one submission).

Conditions:
Hereditary spastic paraplegia 11. Also called: SPASTIC PARAPLEGIA, AUTOSOMAL RECESSIVE, COMPLICATED, WITH THIN CORPUS CALLOSUM; SPASTIC PARAPLEGIA, AUTOSOMAL RECESSIVE, WITH MENTAL IMPAIRMENT AND THIN CORPUS CALLOSUM; Nakamura Osame syndrome; Autosomal recessive hereditary spastic paraplegia, mental impairment, and thin corpus callosum; Spastic paraplegia, mental retardation and thin corpus callosum; Spastic Paraplegia 11. Identifiers: Orphanet 2822, MedGen C1858479, MONDO:0011445, OMIM 604360.

Submission:

Labcorp Genetics (formerly Invitae), Labcorp
Classification: Pathogenic for Hereditary spastic paraplegia 11. Last evaluated: 2020-07-21. Review status: criteria provided, single submitter. Criteria: Invitae Variant Classification Sherloc (09022015). Collection method: clinical testing. Allele origin: germline.
Comment: This sequence change creates a premature translational stop signal (p.Gln2354Profs*6) in the SPG11 gene. It is expected to result in an absent or disrupted protein product. This variant is not present in population databases (ExAC no frequency). This variant has not been reported in the literature in individuals with SPG11-related conditions. Loss-of-function variants in SPG11 are known to be pathogenic (PMID: 19105190, 20110243, 22154821). For these reasons, this variant has been classified as Pathogenic.

Literature cited by the submitters: PubMed 19105190; PubMed 20110243; PubMed 22154821.

NM_025137.4(SPG11):c.7055_7058dup (p.Gln2354fs)

Gene: SPG11 (SPG11 vesicle trafficking associated, spatacsin; minus strand). Cytogenetic location: 15q21.1.
Variant type: Duplication.
Coding change: c.7055_7058dup on transcript NM_025137.4 (MANE Select); coding-DNA positions 7055 to 7058, 4 bases duplicated (ACCA; older notation c.7055_7058dupACCA).
Protein change: p.Gln2354fs; shifts the reading frame from glutamine 2354.
Molecular consequence: frameshift variant.
Genome position (GRCh38, 1-based): chr15:44,564,640-44,564,643, TGGT duplicated on the plus strand (ACCA on the coding strand, the reverse complement: SPG11 is on the minus strand). VCF-style (leftmost placement, unchanged base first): chr15-44564639-C-CTGGT. GRCh37 (hg19) VCF-style: chr15-44856837-C-CTGGT.
Other names: c.6716_6719dup, p.Gln2241fs (NM_001160227.2); short protein forms Q2241fs, Q2354fs.
Identifiers: ClinVar variation 1072337 (VCV001072337.7), dbSNP rs2140911440, ClinGen allele CA2499222943.